The following is an entry in ClinVar:

NM_000384.3(APOB):c.2111T>C (p.Leu704Pro)

Gene: APOB (apolipoprotein B; minus strand). Cytogenetic location: 2p24.1.
Variant type: single nucleotide variant.
Coding change: c.2111T>C on transcript NM_000384.3 (MANE Select); coding-DNA position 2111, T replaced by C.
Protein change: p.Leu704Pro; replaces leucine 704 with proline.
Molecular consequence: missense variant.
Genome position (GRCh38, 1-based): chr2:21,026,921, A>G on the plus strand (T>C on the coding strand, the complement: APOB is on the minus strand). VCF-style: chr2-21026921-A-G. GRCh37 (hg19) VCF-style: chr2-21249793-A-G.
Other names: short protein forms L704P.
Identifiers: ClinVar variation 5026892 (VCV005026892.1).

ClinVar aggregate classification (germline): Uncertain significance (1 of 4 stars; one submission).

Conditions:
Cardiovascular phenotype. Identifiers: MedGen CN230736.

gnomAD v4.1: 1 of 1,614,232 alleles (0.000062%); highest among the groups gnomAD compares: Non-Finnish European, 0.000085%; no homozygotes.

Submission:

Ambry Genetics
Classification: Uncertain significance for Cardiovascular phenotype. Last evaluated: 2026-06-20. Review status: criteria provided, single submitter. Criteria: Ambry Variant Classification Scheme 2023. Collection method: clinical testing. Allele origin: germline.
Comment: The p.L704P variant (also known as c.2111T>C), located in coding exon 15 of the APOB gene, results from a T to C substitution at nucleotide position 2111. The leucine at codon 704 is replaced by proline, an amino acid with similar properties. This amino acid position is conserved. In addition, this alteration is predicted to be deleterious by in silico analysis. Based on the available evidence, the clinical significance of this variant remains unclear.